The following is an entry in ClinVar:

ClinVar aggregate classification (germline): Pathogenic (1 of 4 stars; one submission).

Submission:

Labcorp Genetics (formerly Invitae), Labcorp
Classification: Pathogenic. Last evaluated: 2023-12-09. Review status: criteria provided, single submitter. Criteria: Invitae Variant Classification Sherloc (09022015). Collection method: clinical testing. Allele origin: germline.
Comment: This sequence change creates a premature translational stop signal (p.Glu359Alafs*103) in the COL11A2 gene. It is expected to result in an absent or disrupted protein product. Loss-of-function variants in COL11A2 are known to be pathogenic (PMID: 10677296, 21204229). This variant is not present in population databases (gnomAD no frequency). This variant has not been reported in the literature in individuals affected with COL11A2-related conditions. For these reasons, this variant has been classified as Pathogenic.

Literature cited by the submitters: PubMed 10677296; PubMed 21204229.

NM_080680.3(COL11A2):c.1076_1077del (p.Glu359fs)

Gene: COL11A2 (collagen type XI alpha 2 chain; minus strand). Cytogenetic location: 6p21.32.
Variant type: Microsatellite.
Coding change: c.1076_1077del on transcript NM_080680.3 (MANE Select); coding-DNA positions 1076 to 1077, 2 bases deleted (AG; older notation c.1076_1077delAG).
Protein change: p.Glu359fs; shifts the reading frame from glutamic acid 359.
Molecular consequence: frameshift variant. On other transcripts: intron variant (2).
Genome position (GRCh38, 1-based): chr6:33,184,187-33,184,188, CT deleted on the plus strand (AG on the coding strand, the reverse complement: COL11A2 is on the minus strand); deleting any 2 consecutive bases within chr6:33,184,187-33,184,190 gives the same sequence; the c. name uses the placement nearest the transcript's 3' end. VCF-style (leftmost placement, unchanged base first): chr6-33184186-GCT-G. GRCh37 (hg19) VCF-style: chr6-33151963-GCT-G.
Other names: c.798+2439_798+2440del (NM_080679.3); c.861+804_861+805del (NM_080681.3); short protein forms E359fs.
Identifiers: ClinVar variation 2118997 (VCV002118997.4), dbSNP rs2535424504, ClinGen allele CA2580614862.